The following is an entry in ClinVar:

ClinVar aggregate classification (germline): Benign/Likely benign. Review status: criteria provided, multiple submitters, no conflicts (2 of 4 stars). 4 submissions from 4 submitters: Benign (1); Likely benign (3). Last evaluated 2025-02-15.

Conditions:
Hereditary cancer-predisposing syndrome. Also called: Hereditary Cancer Syndrome; Neoplastic Syndromes, Hereditary; Tumor predisposition; Hereditary neoplastic syndrome. Identifiers: Orphanet 140162, MedGen C0027672, MeSH D009386, MONDO:0015356.
Colorectal cancer, susceptibility to, 12 (CRCS12). Also called: COLORECTAL CANCER, SUSCEPTIBILITY TO, ON CHROMOSOME 12q24. Identifiers: Orphanet 220460, MedGen C3554460, MONDO:0014038, OMIM 615083.

Submissions (4):

Ambry Genetics
Classification: Likely benign for Hereditary cancer-predisposing syndrome. Last evaluated: 2025-02-15. Review status: criteria provided, single submitter. Criteria: Ambry Variant Classification Scheme 2023. Collection method: clinical testing. Allele origin: germline.

Myriad Genetics, Inc.
Classification: Benign for Colorectal cancer, susceptibility to, 12. Last evaluated: 2025-02-10. Review status: criteria provided, single submitter. Criteria: Myriad Autosomal Dominant, Autosomal Recessive and X-Linked Classification Criteria (2023). Collection method: clinical testing. Allele origin: unknown.
Comment: This variant is considered benign. This variant is a silent/synonymous amino acid change and it is not expected to impact splicing.

Labcorp Genetics (formerly Invitae), Labcorp
Classification: Likely benign. Last evaluated: 2022-08-18. Review status: criteria provided, single submitter. Criteria: Invitae Variant Classification Sherloc (09022015). Collection method: clinical testing. Allele origin: germline.

GeneDx
Classification: Likely benign. Last evaluated: 2017-11-22. Review status: criteria provided, single submitter. Criteria: GeneDx Variant Classification (06012015). Collection method: clinical testing. Allele origin: germline. Affected: yes.
Comment: This variant is considered likely benign or benign based on one or more of the following criteria: it is a conservative change, it occurs at a poorly conserved position in the protein, it is predicted to be benign by multiple in silico algorithms, and/or has population frequency not consistent with disease.

NM_006231.4(POLE):c.1086C>T (p.Tyr362=)

Gene: POLE (DNA polymerase epsilon, catalytic subunit; minus strand). Cytogenetic location: 12q24.33.
Variant type: single nucleotide variant.
Coding change: c.1086C>T on transcript NM_006231.4 (MANE Select); coding-DNA position 1086, C replaced by T.
Protein change: p.Tyr362=; no amino-acid change (tyrosine 362 retained).
Molecular consequence: synonymous variant.
Genome position (GRCh38, 1-based): chr12:132,675,755, G>A on the plus strand (C>T on the coding strand, the complement: POLE is on the minus strand). VCF-style: chr12-132675755-G-A. GRCh37 (hg19) VCF-style: chr12-133252341-G-A.
Identifiers: ClinVar variation 513752 (VCV000513752.7), dbSNP rs1555229206, ClinGen allele CA482849739.